The following is an entry in ClinVar:

ClinVar aggregate classification (germline): Uncertain significance (1 of 4 stars; one submission).

Allele frequency attached by ClinVar (database versions not stated): TOPMed 0.00001 and below 0.00001; ESP Exome Variant Server 0.00008.

Submission:

GeneDx
Classification: Uncertain significance. Last evaluated: 2018-01-30. Review status: criteria provided, single submitter. Criteria: GeneDx Variant Classification (06012015). Collection method: clinical testing. Allele origin: germline. Affected: yes.
Comment: A variant of uncertain significance has been identified in the ANK2 gene. The P245L variant has not been published as pathogenic or been reported as benign to our knowledge. This variant is not observed in large population cohorts (Lek et al., 2016; 1000 Genomes Consortium et al., 2015; Exome Variant Server). The P245L variant is a semi-conservative amino acid substitution, which may impact secondary protein structure as these residues differ in some properties. Additionally this substitution occurs at a position that is conserved across species. Furthermore, in silico analysis predicts this variant is probably damaging to the protein structure/function. Nevertheless, no missense variants in nearby residues have been reported in the Human Gene Mutation Database in association with LQTS (Stenson et al., 2014).

NM_001148.6(ANK2):c.7370C>T (p.Pro2457Leu)

Genes: ANK2 (ankyrin 2; plus strand), LOC126807137 (CDK7 strongly-dependent group 2 enhancer GRCh37_chr4:114276560-114277759; plus strand). Cytogenetic location: 4q26.
Variant type: single nucleotide variant.
Coding change: c.7370C>T on transcript NM_001148.6 (MANE Select); coding-DNA position 7370, C replaced by T.
Protein change: p.Pro2457Leu; replaces proline 2457 with leucine.
Molecular consequence: missense variant. On other transcripts: intron variant (68).
Genome position (GRCh38, 1-based): chr4:113,355,988, C>T. VCF-style: chr4-113355988-C-T. GRCh37 (hg19) VCF-style: chr4-114277144-C-T.
Other names: c.7136C>T, p.Pro2379Leu (NM_001386142.1); c.3770C>T, p.Pro1257Leu (NM_001386166.1); c.7511C>T, p.Pro2504Leu (NM_001386174.1); c.7487C>T, p.Pro2496Leu (NM_001386175.1); c.4412-4835C>T (NM_001386186.2, NM_001386148.2); c.4214-4835C>T (NM_001354269.3); c.4292-4835C>T (NM_001386187.2); c.4253-4835C>T (NM_001386147.1); and 35 more; short protein forms P2457L, P1257L, P2379L, P2496L, P2504L.
Identifiers: ClinVar variation 432863 (VCV000432863.2), dbSNP rs370950144, ClinGen allele CA103815158.
Genomic context (GRCh38, chr4:113,355,988, plus strand): 5'-TGGAAGCCAGCCCTGTGCTAGAAGATAACTCTTCACACAAAACCCCTGATTCTCTGGAGC[C>T]AAGTCCTCTGAAAGAATCCCCTTGCCGTGACTCTCTGGAAAGCAGCCCTGTTGAACCAAA-3'
Protein context (NP_001139.3, residues 2447-2467): SSHKTPDSLE[Pro2457Leu]SPLKESPCRD